The following is an entry in ClinVar:

NM_024301.5(FKRP):c.1156G>T (p.Val386Leu)

Gene: FKRP (fukutin related protein; plus strand). Cytogenetic location: 19q13.32.
Variant type: single nucleotide variant.
Coding change: c.1156G>T on transcript NM_024301.5 (MANE Select); coding-DNA position 1156, G replaced by T.
Protein change: p.Val386Leu; replaces valine 386 with leucine.
Molecular consequence: missense variant.
Genome position (GRCh38, 1-based): chr19:46,756,606, G>T. VCF-style: chr19-46756606-G-T. GRCh37 (hg19) VCF-style: chr19-47259863-G-T.
Other names: c.1156G>T, p.Val386Leu (NM_001039885.3); short protein forms V386L.
Identifiers: ClinVar variation 5021810 (VCV005021810.1).
Genomic context (GRCh38, chr19:46,756,606, plus strand): 5'-GGCATCTACTTGGAGGACGTGGGCAACTGCGAGCAGCTGCGGGGGGCAGAGGCCGGCTCG[G>T]TGGTGGATGAGCGCGGCTTCGTATGGGAGAAGGCGGTCGAGGGCGACTTTTTCCGCGTGC-3'
Protein context (NP_077277.1, residues 376-396): EQLRGAEAGS[Val386Leu]VDERGFVWEK

ClinVar aggregate classification (germline): Uncertain significance (1 of 4 stars; one submission).

Conditions:
Cardiovascular phenotype. Identifiers: MedGen CN230736.

Submission:

Ambry Genetics
Classification: Uncertain significance for Cardiovascular phenotype. Last evaluated: 2026-09-06. Review status: criteria provided, single submitter. Criteria: Ambry Variant Classification Scheme 2023. Collection method: clinical testing. Allele origin: germline.
Comment: The p.V386L variant (also known as c.1156G>T), located in coding exon 1 of the FKRP gene, results from a G to T substitution at nucleotide position 1156. The valine at codon 386 is replaced by leucine, an amino acid with highly similar properties. This amino acid position is conserved. In addition, this alteration is predicted to be tolerated by in silico analysis. Based on the available evidence, the clinical significance of this variant remains unclear.